The following is an entry in ClinVar:

NM_000329.3(RPE65):c.1250A>G (p.Glu417Gly)

Gene: RPE65 (retinoid isomerohydrolase RPE65; minus strand). Cytogenetic location: 1p31.3.
Variant type: single nucleotide variant.
Coding change: c.1250A>G on transcript NM_000329.3 (MANE Select); coding-DNA position 1250, A replaced by G.
Protein change: p.Glu417Gly; replaces glutamic acid 417 with glycine.
Molecular consequence: missense variant.
Genome position (GRCh38, 1-based): chr1:68,431,370, T>C on the plus strand (A>G on the coding strand, the complement: RPE65 is on the minus strand). VCF-style: chr1-68431370-T-C. GRCh37 (hg19) VCF-style: chr1-68897053-T-C.
Other names: c.1142A>G, p.Glu381Gly (NM_001406853.1); c.974A>G, p.Glu325Gly (NM_001406856.1, NM_001406857.1); c.1250A>G (NM_000329.2); short protein forms E381G, E325G, E417G.
Identifiers: ClinVar variation 2933272 (VCV002933272.5), dbSNP rs2523403039, ClinGen allele CA340742706.

ClinVar aggregate classification (germline): Likely pathogenic. Review status: criteria provided, multiple submitters, no conflicts (2 of 4 stars). 3 submissions from 3 submitters: Likely pathogenic (3). Last evaluated 2024-12-12.

Conditions:
Retinitis pigmentosa 20 (RP20). Identifiers: Orphanet 791, MedGen C3151086, MONDO:0013425, OMIM 613794.
Leber congenital amaurosis 2 (LCA2). Also called: AMAUROSIS CONGENITA OF LEBER II; Autosomal Recessive RPE65-Related Retinal Degeneration. Identifiers: Orphanet 65, MedGen C1859844, MONDO:0008765, OMIM 204100. Disease mechanism: loss of function.
Leber congenital amaurosis (LCA). Also called: Leber's amaurosis. Identifiers: Orphanet 65, MedGen C0339527, MeSH D057130, MONDO:0018998.

gnomAD v4.1: 1 of 1,613,910 alleles (0.000062%); highest among the groups gnomAD compares: African/African-American, 0.0013%; no homozygotes.

Submissions (3):

Women's Health and Genetics/Laboratory Corporation of America, LabCorp
Classification: Likely pathogenic for Leber congenital amaurosis. Last evaluated: 2024-12-12. Review status: criteria provided, single submitter. Criteria: LabCorp Variant Classification Summary - May 2015. Collection method: clinical testing. Allele origin: germline.
Comment: Variant summary: RPE65 c.1250A>G (p.Glu417Gly) results in a non-conservative amino acid change located in the Retinal pigment epithelial membrane protein domain (IPR004294) of the encoded protein sequence. Five of five in-silico tools predict a damaging effect of the variant on protein function. The variant was absent in 250778 control chromosomes. c.1250A>G has been reported in the compound heterozygous state in the literature in at least 1 individual affected with Leber Congenital Amaurosis (example, Shi_2021, Xu_2020), including at least 1 individual who carried a pathogenic variant in trans. A different variant affecting the same codon has been classified as pathogenic by our lab (c.1249G>C, p.Glu417Gln), supporting the critical relevance of codon 417 to RPE65 protein function, and a third missense at this codon has also been reported in the homozygous state in conjunction with RPE65-related conditions (Shi_2021). To our knowledge, no experimental evidence demonstrating an impact on protein function has been reported. The following publications have been ascertained in the context of this evaluation (PMID: 34830511, 31630094). ClinVar contains an entry for this variant (Variation ID: 2933272). Based on the evidence outlined above, the variant was classified as likely pathogenic.

Natera, Inc.
Classification: Likely pathogenic for Leber congenital amaurosis. Last evaluated: 2024-10-29. Review status: criteria provided, single submitter. Criteria: Natera Variant Classification Schema (03/2026). Collection method: clinical testing. Allele origin: germline.
Comment: The c.1250A>G variant in RPE65 is a missense variant predicted to cause substitution of glutamic acid to glycine at amino acid 417. This variant is rare in the general population with a frequency below the threshold expected for the associated phenotype(s). This variant has been observed in one or more individuals affected with the associated recessive disease, as either homozygous or compound heterozygous with a second variant (PMID: 31630094). A different variant at the same position has been determined to be Pathogenic or Likely Pathogenic. Computational prediction algorithms indicate this variant is likely to affect gene or protein function. Given the available evidence, this variant is classified as Likely Pathogenic.

Labcorp Genetics (formerly Invitae), Labcorp
Classification: Likely pathogenic for Leber congenital amaurosis 2; Retinitis pigmentosa 20. Last evaluated: 2022-11-29. Review status: criteria provided, single submitter. Criteria: Invitae Variant Classification Sherloc (09022015). Collection method: clinical testing. Allele origin: germline.
Comment: In summary, the currently available evidence indicates that the variant is pathogenic, but additional data are needed to prove that conclusively. Therefore, this variant has been classified as Likely Pathogenic. This variant disrupts the p.Glu417 amino acid residue in RPE65. Other variant(s) that disrupt this residue have been observed in individuals with RPE65-related conditions (PMID: 11462243, 31630094), which suggests that this may be a clinically significant amino acid residue. Advanced modeling of protein sequence and biophysical properties (such as structural, functional, and spatial information, amino acid conservation, physicochemical variation, residue mobility, and thermodynamic stability) performed at Invitae indicates that this missense variant is expected to disrupt RPE65 protein function. This missense change has been observed in individual(s) with Leber congenital amaurosis (PMID: 31630094). In at least one individual the data is consistent with being in trans (on the opposite chromosome) from a pathogenic variant. This variant is not present in population databases (gnomAD no frequency). This sequence change replaces glutamic acid, which is acidic and polar, with glycine, which is neutral and non-polar, at codon 417 of the RPE65 protein (p.Glu417Gly).

Literature cited by the submitters: PubMed 31630094 (cited by 3 submitters); PubMed 34830511 (cited by Women's Health and Genetics/Laboratory Corporation of America, LabCorp); PubMed 11462243 (cited by Labcorp Genetics (formerly Invitae), Labcorp).